The following is an entry in ClinVar:

ClinVar aggregate classification (germline): Uncertain significance (1 of 4 stars; one submission).

Conditions:
Hereditary cancer-predisposing syndrome. Also called: Hereditary Cancer Syndrome; Hereditary neoplastic syndrome; Neoplastic Syndromes, Hereditary; Tumor predisposition. Identifiers: Orphanet 140162, MedGen C0027672, MeSH D009386, MONDO:0015356.

Submission:

Ambry Genetics
Classification: Uncertain significance for Hereditary cancer-predisposing syndrome. Last evaluated: 2023-08-24. Review status: criteria provided, single submitter. Criteria: Ambry Variant Classification Scheme 2023. Collection method: clinical testing. Allele origin: germline.
Comment: The c.1566-7C>A intronic variant results from a C to A substitution 7 nucleotides upstream from coding exon 11 in the CDH1 gene. This nucleotide position is not well conserved in available vertebrate species. In silico splice site analysis predicts that this alteration will result in the creation or strengthening of a novel splice acceptor site; however, direct evidence is insufficient at this time (Ambry internal data). Since supporting evidence is limited at this time, the clinical significance of this alteration remains unclear.

NM_004360.5(CDH1):c.1566-7C>A

Gene: CDH1 (cadherin 1; plus strand). Cytogenetic location: 16q22.1.
Variant type: single nucleotide variant.
Coding change: c.1566-7C>A on transcript NM_004360.5 (MANE Select); 7 bases into the intron before coding-DNA position 1566, C replaced by A.
Molecular consequence: intron variant.
Genome position (GRCh38, 1-based): chr16:68,819,273, C>A. VCF-style: chr16-68819273-C-A. GRCh37 (hg19) VCF-style: chr16-68853176-C-A.
Other names: c.18-7C>A (NM_001317185.2); c.-254-2728C>A (NM_001317186.2); c.1383-7C>A (NM_001317184.2).
Identifiers: ClinVar variation 1775361 (VCV001775361.3), dbSNP rs747783435, ClinGen allele CA2527323266.